The following is an entry in ClinVar:

ClinVar aggregate classification (germline): Uncertain significance. Review status: criteria provided, multiple submitters, no conflicts (2 of 4 stars). 4 submissions from 4 submitters: Uncertain significance (4). Last evaluated 2026-01-19.

Conditions:
Dilated cardiomyopathy 1G (CMD1G). Identifiers: Orphanet 154, MedGen C1858763, MONDO:0011400, OMIM 604145.
Autosomal recessive limb-girdle muscular dystrophy type 2J (LGMDR10). Also called: Limb-girdle muscular dystrophy, type 2J; MUSCULAR DYSTROPHY, LIMB-GIRDLE, AUTOSOMAL RECESSIVE 10. Identifiers: Orphanet 140922, MedGen C1837342, MONDO:0012127, OMIM 608807.

Allele frequency attached by ClinVar (database versions not stated): 1000 Genomes Project 30x 0.00016; gnomAD 0.00001; gnomAD exomes 0.00001; TOPMed 0.00001; ExAC 0.00004; 1000 Genomes Project 0.00020.
gnomAD v4.1: 14 of 1,600,038 alleles (0.00087%); highest among the groups gnomAD compares: Non-Finnish European, 0.0012%; no homozygotes.

Submissions (4):

Labcorp Genetics (formerly Invitae), Labcorp
Classification: Uncertain significance for Dilated cardiomyopathy 1G; Autosomal recessive limb-girdle muscular dystrophy type 2J. Last evaluated: 2026-01-19. Review status: criteria provided, single submitter. Criteria: Invitae Variant Classification Sherloc (09022015). Collection method: clinical testing. Allele origin: germline.
Comment: This sequence change falls in intron 209 of the TTN gene. It does not directly change the encoded amino acid sequence of the TTN protein. It affects a nucleotide within the consensus splice site. This variant is present in population databases (rs543584748, gnomAD 0.002%). This variant has not been reported in the literature in individuals affected with TTN-related conditions. ClinVar contains an entry for this variant (Variation ID: 1304506). Variants that disrupt the consensus splice site are a relatively common cause of aberrant splicing (PMID: 17576681, 9536098). Algorithms developed to predict the effect of sequence changes on RNA splicing suggest that this variant may disrupt the consensus splice site. This variant is located in the I band of TTN (PMID: 25589632). Non-truncating variants in this region may be clinically relevant, but have not been definitively shown to cause cardiomyopathy or neuromuscular disease (PMID: 27493940, 32778822). In summary, the available evidence is currently insufficient to determine the role of this variant in disease. Therefore, it has been classified as a Variant of Uncertain Significance.

Dasa
Classification: Uncertain significance. Last evaluated: 2025-01-21. Review status: criteria provided, single submitter. Criteria: DASA Assertion Criteria. Collection method: clinical testing. Allele origin: germline.
Comment: NM_001267550.2(TTN):c.39709+3A>G is a splice-region variant predicted to affect normal RNA splicing. This variant is rare in population databases. Computational prediction algorithms are consistent with a deleterious effect. The currently available literature and clinical evidence are not sufficient to establish a definitive association between this variant and the reported condition. Therefore, this variant is classified as a variant of uncertain significance.

Revvity Omics, Revvity
Classification: Uncertain significance. Last evaluated: 2023-09-22. Review status: criteria provided, single submitter. Criteria: ACMG Guidelines, 2015. Collection method: clinical testing. Allele origin: germline.

GeneDx
Classification: Uncertain significance. Last evaluated: 2023-01-23. Review status: criteria provided, single submitter. Criteria: GeneDx Variant Classification Process June 2021. Collection method: clinical testing. Allele origin: germline. Affected: yes.
Comment: Not observed at significant frequency in large population cohorts (gnomAD); In silico analysis suggests this variant may impact gene splicing. In the absence of RNA/functional studies, the actual effect of this sequence change is unknown.; Has not been previously published as pathogenic or benign to our knowledge

Literature cited by the submitters: PubMed 17576681 (cited by Labcorp Genetics (formerly Invitae), Labcorp); PubMed 9536098 (cited by Labcorp Genetics (formerly Invitae), Labcorp); PubMed 25589632 (cited by Labcorp Genetics (formerly Invitae), Labcorp); PubMed 27493940 (cited by Labcorp Genetics (formerly Invitae), Labcorp); PubMed 32778822 (cited by Labcorp Genetics (formerly Invitae), Labcorp).

NM_001267550.2(TTN):c.39709+3A>G

Gene: TTN (titin; minus strand). Cytogenetic location: 2q31.2.
Variant type: single nucleotide variant.
Coding change: c.39709+3A>G on transcript NM_001267550.2 (MANE Select); 3 bases into the intron after coding-DNA position 39709, A replaced by G.
Molecular consequence: intron variant.
Genome position (GRCh38, 1-based): chr2:178,650,748, T>C on the plus strand (A>G on the coding strand, the complement: TTN is on the minus strand). VCF-style: chr2-178650748-T-C. GRCh37 (hg19) VCF-style: chr2-179515475-T-C.
Other names: c.13283-8431A>G (NM_003319.4); c.13859-8431A>G (NM_133437.4); c.13658-8431A>G (NM_133432.3); c.32407+3A>G (NM_133378.4); c.35188+3A>G (NM_001256850.1).
Identifiers: ClinVar variation 1304506 (VCV001304506.15), dbSNP rs543584748, ClinGen allele CA1996626.